The following is an entry in ClinVar:

ClinVar aggregate classification (germline): Uncertain significance (1 of 4 stars; one submission).

Allele frequency attached by ClinVar (database versions not stated): gnomAD 0.00001; gnomAD exomes 0.00002; TOPMed 0.00002.
gnomAD v4.1: 5 of 1,559,786 alleles (0.00032%); highest among the groups gnomAD compares: Admixed American, 0.0078%; no homozygotes.

Submission:

Labcorp Genetics (formerly Invitae), Labcorp
Classification: Uncertain significance. Last evaluated: 2025-07-13. Review status: criteria provided, single submitter. Criteria: Invitae Variant Classification Sherloc (09022015). Collection method: clinical testing. Allele origin: germline.
Comment: This sequence change affects codon 63 of the ASRGL1 mRNA. It is a 'silent' change, meaning that it does not change the encoded amino acid sequence of the ASRGL1 protein. It affects a nucleotide within the consensus splice site. This variant is present in population databases (no rsID available, gnomAD 0.008%). This variant has not been reported in the literature in individuals affected with ASRGL1-related conditions. ClinVar contains an entry for this variant (Variation ID: 1516947). Algorithms developed to predict the effect of sequence changes on RNA splicing suggest that this variant is not likely to affect RNA splicing. In summary, the available evidence is currently insufficient to determine the role of this variant in disease. Therefore, it has been classified as a Variant of Uncertain Significance.

NM_001083926.2(ASRGL1):c.189A>G (p.Ala63=)

Gene: ASRGL1 (asparaginase and isoaspartyl peptidase 1; plus strand). Cytogenetic location: 11q12.3.
Variant type: single nucleotide variant.
Coding change: c.189A>G on transcript NM_001083926.2 (MANE Select); coding-DNA position 189, A replaced by G.
Protein change: p.Ala63=; no amino-acid change (alanine 63 retained).
Molecular consequence: synonymous variant.
Genome position (GRCh38, 1-based): chr11:62,338,166, A>G. VCF-style: chr11-62338166-A-G. GRCh37 (hg19) VCF-style: chr11-62105638-A-G.
Other names: c.189A>G, p.Ala63= (NM_025080.4).
Identifiers: ClinVar variation 1516947 (VCV001516947.6), dbSNP rs1333545878, ClinGen allele CA474834696.